The following is an entry in ClinVar:

ClinVar aggregate classification (germline): Conflicting classifications of pathogenicity. Review status: criteria provided, conflicting classifications (1 of 4 stars). 16 submissions from 15 submitters: Uncertain significance (11); Likely benign (2). 3 of the submissions do not count toward it. Last evaluated 2026-03-27.

Conditions:
Cardiovascular phenotype. Identifiers: MedGen CN230736.
Catecholaminergic polymorphic ventricular tachycardia (CVPT). Also called: Catecholamine-induced polymorphic ventricular tachycardia. Identifiers: Orphanet 3286, MedGen C5574922, MONDO:0017990.
Cardiomyopathy (CMYO). Also called: Cardiomyopathies. Identifiers: Orphanet 167848, MedGen C0878544, MONDO:0004994, HP:0001638. Inheritance: Various modes of inheritance.
Catecholaminergic polymorphic ventricular tachycardia 1. Also called: VENTRICULAR TACHYCARDIA, CATECHOLAMINERGIC POLYMORPHIC, 1, WITH OR WITHOUT ATRIAL DYSFUNCTION AND/OR DILATED CARDIOMYOPATHY; RYR2-Related Catecholaminergic Polymorphic Ventricular Tachycardia; VENTRICULAR TACHYCARDIA, STRESS-INDUCED POLYMORPHIC 1. Identifiers: Orphanet 3286, MedGen C1631597, MONDO:0011484, OMIM 604772.
Arrhythmogenic right ventricular dysplasia 2. Identifiers: MedGen C1832931.

Allele frequency attached by ClinVar (database versions not stated): ExAC 0.00004; gnomAD exomes 0.00010; TOPMed 0.00013; gnomAD 0.00015 and 0.00016; ESP Exome Variant Server 0.00017.
gnomAD v4.1: 217 of 1,512,072 alleles (0.014%); highest among the groups gnomAD compares: Non-Finnish European, 0.017%; no homozygotes.

Submissions (16):

Molecular Diagnostic Laboratory for Inherited Cardiovascular Disease, Montreal Heart Institute
Classification: Uncertain significance for Cardiovascular phenotype. Last evaluated: 2026-03-27. Review status: criteria provided, single submitter. Criteria: ACMG Guidelines, 2015. Collection method: clinical testing. Allele origin: germline. Affected: yes.
Comment: PP2, BS1

Ambry Genetics
Classification: Uncertain significance for Cardiovascular phenotype. Last evaluated: 2026-01-21. Review status: criteria provided, single submitter. Criteria: Ambry Variant Classification Scheme 2023. Collection method: clinical testing. Allele origin: germline.
Comment: The c.8145G>T (p.E2715D) alteration is located in exon 54 (coding exon 54) of the RYR2 gene. This alteration results from a G to T substitution at nucleotide position 8145, causing the glutamic acid (E) at amino acid position 2715 to be replaced by an aspartic acid (D). Based on data from gnomAD, the T allele has an overall frequency of 0.012% (19/165846) total alleles studied. The highest observed frequency was 0.021% (1/4732) of Other alleles. Based on insufficient or conflicting evidence, the clinical significance of this alteration remains unclear.

Color Diagnostics, LLC DBA Color Health
Classification: Likely benign for Cardiomyopathy. Last evaluated: 2025-11-10. Review status: criteria provided, single submitter. Criteria: ACMG Guidelines, 2015. Collection method: clinical testing. Allele origin: germline.

Labcorp Genetics (formerly Invitae), Labcorp
Classification: Uncertain significance for Catecholaminergic polymorphic ventricular tachycardia 1. Last evaluated: 2025-01-27. Review status: criteria provided, single submitter. Criteria: Invitae Variant Classification Sherloc (09022015). Collection method: clinical testing. Allele origin: germline.
Comment: This sequence change replaces glutamic acid, which is acidic and polar, with aspartic acid, which is acidic and polar, at codon 2715 of the RYR2 protein (p.Glu2715Asp). This variant is present in population databases (rs200420897, gnomAD 0.02%). This missense change has been observed in individual(s) with RYR2-related conditions (PMID: 27930701, 29453246, 32152366). ClinVar contains an entry for this variant (Variation ID: 180497). Invitae Evidence Modeling of protein sequence and biophysical properties (such as structural, functional, and spatial information, amino acid conservation, physicochemical variation, residue mobility, and thermodynamic stability) indicates that this missense variant is not expected to disrupt RYR2 protein function with a negative predictive value of 95%. In summary, the available evidence is currently insufficient to determine the role of this variant in disease. Therefore, it has been classified as a Variant of Uncertain Significance.

All of Us Research Program, National Institutes of Health
Classification: Uncertain significance for Catecholaminergic polymorphic ventricular tachycardia. Last evaluated: 2024-09-23. Review status: criteria provided, single submitter. Criteria: ACMG Guidelines, 2015. Collection method: clinical testing. Allele origin: germline. Inheritance: Autosomal dominant inheritance. Observed: 59 variant alleles, 59 heterozygotes.
Comment: This variant is located in the RYR2 protein. Computational prediction is inconclusive regarding the impact of this variant on protein structure and function (internally defined REVEL score threshold 0.5 < inconclusive < 0.7, PMID: 27666373). To our knowledge, functional studies have not been reported for this variant. This variant has been reported in an individual with suspected catecholaminergic polymorphic ventricular tachycardia (PMID: 29453246), two individuals with sudden unexplained death (PMID: 27930701, 32268277), and an individual with suspected coronary artery disease (PMID: 23861362). This variant has been identified in 19/165846 chromosomes in the general population by the Genome Aggregation Database (gnomAD). The available evidence is insufficient to determine the role of this variant in disease conclusively. Therefore, this variant is classified as a Variant of Uncertain Significance.

This study involves interpretation of variants in research participants for the purpose of population health screening. Participant phenotype was not available at the time of variant classification. Additional details can be found in publication PMID: 35346344, PMCID: PMC8962531

Blueprint Genetics
Classification: Uncertain significance. Last evaluated: 2024-09-02. Review status: criteria provided, single submitter. Criteria: ACMG Guidelines, 2015. Collection method: clinical testing. Allele origin: germline.

GeneDx
Classification: Uncertain significance. Last evaluated: 2024-02-27. Review status: criteria provided, single submitter. Criteria: GeneDx Variant Classification Process June 2021. Collection method: clinical testing. Allele origin: germline. Affected: yes.
Comment: In silico analysis supports that this missense variant has a deleterious effect on protein structure/function; Identified in patients with sudden unexpected death and in a patient with hypertrophic cardiomyopathy (HCM); both of whom harbored additional cardiogenetic variants (PMID: 27930701, 32746448); Not located in one of the three hot-spot regions of the RYR2 gene, where the majority of pathogenic missense variants occur (PMID: 19926015); This variant is associated with the following publications: (PMID: 32268277, 29453246, 32746448, 27930701, 23861362, 19926015)

CHEO Genetics Diagnostic Laboratory, Children's Hospital of Eastern Ontario
Classification: Uncertain significance for Cardiomyopathy. Last evaluated: 2019-10-01. Review status: criteria provided, single submitter. Criteria: ACMG Guidelines, 2015. Collection method: clinical testing. Allele origin: germline. Study: Canadian Open Genetics Repository.

Women's Health and Genetics/Laboratory Corporation of America, LabCorp
Classification: Uncertain significance. Last evaluated: 2019-06-17. Review status: criteria provided, single submitter. Criteria: LabCorp Variant Classification Summary - May 2015. Collection method: clinical testing. Allele origin: germline.
Comment: Variant summary: RYR2 c.8145G>T (p.Glu2715Asp) results in a conservative amino acid change located in the Ryanodine receptor Ryr domain of the encoded protein sequence. Three of five in-silico tools predict a damaging effect of the variant on protein function. The variant allele was found at a frequency of 0.0001 in 134624 control chromosomes (gnomAD). The observed variant frequency is approximately 2 fold of the estimated maximal expected allele frequency for a pathogenic variant in RYR2 causing Arrhythmia phenotype (6e-05), strongly suggesting that the variant is benign. c.8145G>T has been reported in the literature in individuals affected with CPVT, BrS and unexplained death. These reports do not provide unequivocal conclusions about association of the variant with Arrhythmia. To our knowledge, no experimental evidence demonstrating an impact on protein function has been reported. Three ClinVar submissions from clinical diagnostic laboratories (evaluation after 2014) cite the variant as uncertain significance. Based on the evidence outlined above, the variant was classified as VUS - possibly benign.

Illumina Laboratory Services, Illumina
Classification: Uncertain significance for Catecholaminergic polymorphic ventricular tachycardia 1. Last evaluated: 2018-01-12. Review status: criteria provided, single submitter. Criteria: ICSL Variant Classification Criteria 13 December 2019. Collection method: clinical testing. Allele origin: germline.

Illumina Laboratory Services, Illumina
Classification: Uncertain significance for Catecholaminergic polymorphic ventricular tachycardia 1. Last evaluated: 2018-01-12. Review status: criteria provided, single submitter. Criteria: ICSL Variant Classification Criteria 13 December 2019. Collection method: clinical testing. Allele origin: germline.

Stanford Center for Inherited Cardiovascular Disease, Stanford University
Classification: Uncertain significance. Last evaluated: 2017-06-14. Review status: criteria provided, single submitter. Criteria: ACMG Guidelines, 2015. Collection method: provider interpretation. Allele origin: germline.

Biesecker Lab/Clinical Genomics Section, National Institutes of Health
Classification: Likely benign. Last evaluated: 2013-06-24. Review status: criteria provided, single submitter. Criteria: Ng et al. (Circ Cardiovasc Genet. 2013). Collection method: research. Allele origin: unknown. Observed: 1 variant allele. Study: ClinSeq.
Comment: The study set was not selected for affection status in relation to any cancer. Pathogenicity categories were based on literature curation. See Pubmed ID:23861362 for details.

Medical sequencing

Clinical Genetics DNA and cytogenetics Diagnostics Lab, Erasmus MC, Erasmus Medical Center
Classification: Uncertain significance. Review status: no assertion criteria provided. Collection method: clinical testing. Allele origin: germline. Affected: yes. Study: VKGL Data-share Consensus. Not counted in ClinVar's aggregate classification.

Clinical Genetics, Academic Medical Center
Classification: Uncertain significance. Review status: no assertion criteria provided. Collection method: clinical testing. Allele origin: germline. Affected: yes. Study: VKGL Data-share Consensus. Not counted in ClinVar's aggregate classification.

Diagnostic Laboratory, Department of Genetics, University Medical Center Groningen
Classification: Uncertain significance. Review status: no assertion criteria provided. Collection method: clinical testing. Allele origin: germline. Affected: yes. Study: VKGL Data-share Consensus. Not counted in ClinVar's aggregate classification.

Literature cited by the submitters: PubMed 27930701 (cited by 3 submitters); PubMed 29453246 (cited by 3 submitters); PubMed 32152366 (cited by Labcorp Genetics (formerly Invitae), Labcorp); PubMed 23861362 (cited by All of Us Research Program, National Institutes of Health and Women's Health and Genetics/Laboratory Corporation of America, LabCorp); PubMed 32268277 (cited by All of Us Research Program, National Institutes of Health); PubMed 25650408 (cited by Women's Health and Genetics/Laboratory Corporation of America, LabCorp); PubMed 28404607 (cited by Women's Health and Genetics/Laboratory Corporation of America, LabCorp).

NM_001035.3(RYR2):c.8145G>T (p.Glu2715Asp)

Gene: RYR2 (ryanodine receptor 2; plus strand). Cytogenetic location: 1q43.
Variant type: single nucleotide variant.
Coding change: c.8145G>T on transcript NM_001035.3 (MANE Select); coding-DNA position 8145, G replaced by T.
Protein change: p.Glu2715Asp; replaces glutamic acid 2715 with aspartic acid.
Molecular consequence: missense variant.
Genome position (GRCh38, 1-based): chr1:237,657,959, G>T. VCF-style: chr1-237657959-G-T. GRCh37 (hg19) VCF-style: chr1-237821259-G-T.
Other names: p.E2715D:GAG>GAT; c.8145G>T, p.Glu2715Asp (LRG_402t1); short protein forms E2715D.
Identifiers: ClinVar variation 180497 (VCV000180497.47), dbSNP rs200420897, ClinGen allele CA010841.